The following is an entry in ClinVar:

ClinVar aggregate classification (germline): Pathogenic (1 of 4 stars; one submission).

Conditions:
Progressive sclerosing poliodystrophy (MTDPS4A). Also called: ALPERS PROGRESSIVE INFANTILE POLIODYSTROPHY; NEURONAL DEGENERATION OF CHILDHOOD WITH LIVER DISEASE, PROGRESSIVE; Alpers Syndrome; ALPERS DIFFUSE DEGENERATION OF CEREBRAL GRAY MATTER WITH HEPATIC CIRRHOSIS; Alpers-Huttenlocher Syndrome; Mitochondrial DNA depletion syndrome 4A (Alpers type). Identifiers: Orphanet 726, MedGen C0205710, MONDO:0008758, OMIM 203700.

Submission:

Labcorp Genetics (formerly Invitae), Labcorp
Classification: Pathogenic for Progressive sclerosing poliodystrophy. Last evaluated: 2023-07-28. Review status: criteria provided, single submitter. Criteria: Invitae Variant Classification Sherloc (09022015). Collection method: clinical testing. Allele origin: germline.
Comment: This sequence change creates a premature translational stop signal (p.Gln894*) in the POLG gene. It is expected to result in an absent or disrupted protein product. Loss-of-function variants in POLG are known to be pathogenic (PMID: 18546365). This variant is not present in population databases (gnomAD no frequency). This variant has not been reported in the literature in individuals affected with POLG-related conditions. For these reasons, this variant has been classified as Pathogenic.

Literature cited by the submitters: PubMed 18546365.

NM_002693.3(POLG):c.2680C>T (p.Gln894Ter)

Gene: POLG (DNA polymerase gamma, catalytic subunit; minus strand). Cytogenetic location: 15q26.1.
Variant type: single nucleotide variant.
Coding change: c.2680C>T on transcript NM_002693.3 (MANE Select); coding-DNA position 2680, C replaced by T.
Protein change: p.Gln894Ter; replaces glutamine 894 with a stop codon.
Molecular consequence: nonsense.
Genome position (GRCh38, 1-based): chr15:89,321,179, G>A on the plus strand (C>T on the coding strand, the complement: POLG is on the minus strand). VCF-style: chr15-89321179-G-A. GRCh37 (hg19) VCF-style: chr15-89864410-G-A.
Other names: c.2680C>T, p.Gln894Ter (NM_001126131.2); short protein forms Q894*.
Identifiers: ClinVar variation 2747646 (VCV002747646.3), dbSNP rs2509218972, ClinGen allele CA393753676.